The following is an entry in ClinVar:

NM_031935.3(HMCN1):c.11617A>G (p.Thr3873Ala)

Gene: HMCN1 (hemicentin 1; plus strand). Cytogenetic location: 1q31.1.
Variant type: single nucleotide variant.
Coding change: c.11617A>G on transcript NM_031935.3 (MANE Select); coding-DNA position 11617, A replaced by G.
Protein change: p.Thr3873Ala; replaces threonine 3873 with alanine.
Molecular consequence: missense variant.
Genome position (GRCh38, 1-based): chr1:186,117,049, A>G. VCF-style: chr1-186117049-A-G. GRCh37 (hg19) VCF-style: chr1-186086181-A-G.
Other names: short protein forms T3873A.
Identifiers: ClinVar variation 2177510 (VCV002177510.4), dbSNP rs1297423104, ClinGen allele CA343945529.

ClinVar aggregate classification (germline): Uncertain significance (1 of 4 stars; one submission).

Allele frequency attached by ClinVar (database versions not stated): gnomAD exomes below 0.00001; TOPMed below 0.00001.
gnomAD v4.1: 7 of 1,613,514 alleles (0.00043%); highest among the groups gnomAD compares: African/African-American, 0.004%; no homozygotes.

Submission:

Labcorp Genetics (formerly Invitae), Labcorp
Classification: Uncertain significance. Last evaluated: 2025-10-06. Review status: criteria provided, single submitter. Criteria: Invitae Variant Classification Sherloc (09022015). Collection method: clinical testing. Allele origin: germline.
Comment: This sequence change replaces threonine, which is neutral and polar, with alanine, which is neutral and non-polar, at codon 3873 of the HMCN1 protein (p.Thr3873Ala). This variant is not present in population databases (gnomAD no frequency). This variant has not been reported in the literature in individuals affected with HMCN1-related conditions. ClinVar contains an entry for this variant (Variation ID: 2177510). An algorithm developed to predict the effect of missense changes on protein structure and function outputs the following: PolyPhen-2: "Probably Damaging". The alanine amino acid residue is found in multiple mammalian species, which suggests that this missense change does not adversely affect protein function. In summary, the available evidence is currently insufficient to determine the role of this variant in disease. Therefore, it has been classified as a Variant of Uncertain Significance.